The following is an entry in ClinVar:

NM_002294.3(LAMP2):c.991T>C (p.Cys331Arg)

Gene: LAMP2 (lysosome associated membrane protein 2; minus strand). Cytogenetic location: Xq24.
Variant type: single nucleotide variant.
Coding change: c.991T>C on transcript NM_002294.3 (MANE Select); coding-DNA position 991, T replaced by C.
Protein change: p.Cys331Arg; replaces cysteine 331 with arginine.
Molecular consequence: missense variant.
Genome position (GRCh38, 1-based): chrX:120,441,832, A>G on the plus strand (T>C on the coding strand, the complement: LAMP2 is on the minus strand). VCF-style: chrX-120441832-A-G. GRCh37 (hg19) VCF-style: chrX-119575687-A-G.
Other names: c.991T>C, p.Cys331Arg (NM_001122606.1, NM_013995.2); short protein forms C331R.
Identifiers: ClinVar variation 2735842 (VCV002735842.3), dbSNP rs2520860096, ClinGen allele CA414400108.

ClinVar aggregate classification (germline): Uncertain significance (1 of 4 stars; one submission).

Conditions:
Danon disease. Also called: ANTOPOL DISEASE; PSEUDOGLYCOGENOSIS II; GSD IIb; LYSOSOMAL GLYCOGEN STORAGE DISEASE WITHOUT ACID MALTASE DEFICIENCY; Glycogen Storage Disease Type IIb. Identifiers: Orphanet 34587, MedGen C0878677, MONDO:0010281, OMIM 300257.

Submission:

Labcorp Genetics (formerly Invitae), Labcorp
Classification: Uncertain significance for Danon disease. Last evaluated: 2023-11-22. Review status: criteria provided, single submitter. Criteria: Invitae Variant Classification Sherloc (09022015). Collection method: clinical testing. Allele origin: germline.
Comment: This sequence change replaces cysteine, which is neutral and slightly polar, with arginine, which is basic and polar, at codon 331 of the LAMP2 protein (p.Cys331Arg). This variant is not present in population databases (gnomAD no frequency). This variant has not been reported in the literature in individuals affected with LAMP2-related conditions. Advanced modeling of protein sequence and biophysical properties (such as structural, functional, and spatial information, amino acid conservation, physicochemical variation, residue mobility, and thermodynamic stability) performed at Invitae indicates that this missense variant is expected to disrupt LAMP2 protein function with a positive predictive value of 80%. In summary, the available evidence is currently insufficient to determine the role of this variant in disease. Therefore, it has been classified as a Variant of Uncertain Significance.